The following is an entry in ClinVar:

ClinVar aggregate classification (germline): Uncertain significance (1 of 4 stars; one submission).

Conditions:
Pitt-Hopkins-like syndrome 2 (PTHSL2). Identifiers: Orphanet 221150, Orphanet 600663, MedGen C3280479, MONDO:0013690, OMIM 614325.

Submission:

Labcorp Genetics (formerly Invitae), Labcorp
Classification: Uncertain significance for Pitt-Hopkins-like syndrome 2. Last evaluated: 2025-10-13. Review status: criteria provided, single submitter. Criteria: Invitae Variant Classification Sherloc (09022015). Collection method: clinical testing. Allele origin: germline.
Comment: This sequence change replaces glycine, which is neutral and non-polar, with arginine, which is basic and polar, at codon 311 of the NRXN1 protein (p.Gly311Arg). This variant also falls at the last nucleotide of exon 6, which is part of the consensus splice site for this exon. This variant is not present in population databases (gnomAD no frequency). This variant has not been reported in the literature in individuals affected with NRXN1-related conditions. ClinVar contains an entry for this variant (Variation ID: 1995622). An algorithm developed to predict the effect of missense changes on protein structure and function (PolyPhen-2) suggests that this variant is likely to be tolerated. Variants that disrupt the consensus splice site are a relatively common cause of aberrant splicing (PMID: 17576681, 9536098). Algorithms developed to predict the effect of sequence changes on RNA splicing suggest that this variant may disrupt the consensus splice site. In summary, the available evidence is currently insufficient to determine the role of this variant in disease. Therefore, it has been classified as a Variant of Uncertain Significance.

Literature cited by the submitters: PubMed 17576681; PubMed 9536098.

NM_001330078.2(NRXN1):c.832G>A (p.Gly278Arg)

Gene: NRXN1 (neurexin 1; minus strand). Cytogenetic location: 2p16.3.
Variant type: single nucleotide variant.
Coding change: c.832G>A on transcript NM_001330078.2 (MANE Select); coding-DNA position 832, G replaced by A.
Protein change: p.Gly278Arg; replaces glycine 278 with arginine.
Molecular consequence: missense variant. On other transcripts: intron variant (6).
Genome position (GRCh38, 1-based): chr2:50,921,869, C>T on the plus strand (G>A on the coding strand, the complement: NRXN1 is on the minus strand). VCF-style: chr2-50921869-C-T. GRCh37 (hg19) VCF-style: chr2-51149007-C-T.
Other names: c.931G>A, p.Gly311Arg (NM_001135659.3); c.832G>A, p.Gly278Arg (NM_001330077.2, NM_001330082.2, NM_001330085.2 and 3 more transcripts); c.829G>A, p.Asp277Asn (NM_001330079.2); c.832G>A, p.Asp278Asn (NM_001330081.2); c.832G>A, p.Glu278Lys (NM_001330090.2); c.829G>A, p.Gly277Arg (NM_001330093.2); c.772+105633G>A (NM_001330096.2, NM_001330087.2, NM_001330083.2 and 1 more transcripts); c.802+789G>A (NM_001330088.2); and 1 more; short protein forms D278N, G277R, G278R, D277N, G311R, E278K.
Identifiers: ClinVar variation 1995622 (VCV001995622.4), dbSNP rs1686088823, ClinGen allele CA346822779.